The following is an entry in ClinVar:

ClinVar aggregate classification (germline): Benign/Likely benign. Review status: criteria provided, multiple submitters, no conflicts (2 of 4 stars). 6 submissions from 6 submitters: Benign (4); Likely benign (2). Last evaluated 2025-11-01.

Conditions:
Intellectual disability, autosomal dominant 14 (CSS2). Also called: COFFIN-SIRIS SYNDROME 2. Identifiers: Orphanet 1465, MedGen C3553247, MONDO:0013819, OMIM 614607.

Allele frequency attached by ClinVar (database versions not stated): ESP Exome Variant Server 0.00015; ExAC 0.00027; TOPMed 0.00028; gnomAD 0.00033 and 0.00035; gnomAD exomes 0.00035.
gnomAD v4.1: 457 of 1,576,508 alleles (0.029%); highest among the groups gnomAD compares: Middle Eastern, 0.2%; 1 homozygote.

Submissions (6):

CeGaT Center for Human Genetics Tuebingen
Classification: Benign. Last evaluated: 2025-11-01. Review status: criteria provided, single submitter. Criteria: CeGaT Center For Human Genetics Tuebingen Variant Classification Criteria Version 2. Collection method: clinical testing. Allele origin: germline. Affected: yes. Observed: 2 variant alleles.
Comment: ARID1A: BP4, BS1, BS2

Labcorp Genetics (formerly Invitae), Labcorp
Classification: Benign. Last evaluated: 2025-10-24. Review status: criteria provided, single submitter. Criteria: Invitae Variant Classification Sherloc (09022015). Collection method: clinical testing. Allele origin: germline.

Blueprint Genetics
Classification: Likely benign. Last evaluated: 2024-09-23. Review status: criteria provided, single submitter. Criteria: ACMG Guidelines, 2015. Collection method: clinical testing. Allele origin: germline.

Genome-Nilou Lab
Classification: Benign for Intellectual disability, autosomal dominant 14. Last evaluated: 2021-12-05. Review status: criteria provided, single submitter. Criteria: ACMG Guidelines, 2015. Collection method: clinical testing. Allele origin: germline. Affected: no.

Genetic Services Laboratory, University of Chicago
Classification: Likely benign. Last evaluated: 2021-08-19. Review status: criteria provided, single submitter. Criteria: ACMG Guidelines, 2015. Collection method: clinical testing. Allele origin: germline. Affected: no.

GeneDx
Classification: Benign. Last evaluated: 2020-03-20. Review status: criteria provided, single submitter. Criteria: GeneDx Variant Classification Process June 2021. Collection method: clinical testing. Allele origin: germline. Affected: yes.

NM_006015.6(ARID1A):c.4779G>T (p.Arg1593=)

Gene: ARID1A (AT-rich interaction domain 1A; plus strand). Cytogenetic location: 1p36.11.
Variant type: single nucleotide variant.
Coding change: c.4779G>T on transcript NM_006015.6 (MANE Select); coding-DNA position 4779, G replaced by T.
Protein change: p.Arg1593=; no amino-acid change (arginine 1593 retained).
Molecular consequence: synonymous variant.
Genome position (GRCh38, 1-based): chr1:26,775,006, G>T. VCF-style: chr1-26775006-G-T. GRCh37 (hg19) VCF-style: chr1-27101497-G-T.
Other names: c.4128G>T, p.Arg1376= (NM_139135.4).
Identifiers: ClinVar variation 1229299 (VCV001229299.34), dbSNP rs140978841, ClinGen allele CA707521.